The following is an entry in ClinVar:

ClinVar aggregate classification (germline): Uncertain significance. Review status: criteria provided, multiple submitters, no conflicts (2 of 4 stars). 3 submissions from 3 submitters: Uncertain significance (3). Last evaluated 2024-04-04.

Conditions:
Nemaline myopathy 2 (NEM2). Also called: Nemaline myopathy 2, autosomal recessive. Identifiers: MedGen C1850569, MONDO:0009725, OMIM 256030.

Allele frequency attached by ClinVar (database versions not stated): TOPMed below 0.00001; ExAC 0.00001; gnomAD exomes 0.00001.
gnomAD v4.1: 10 of 1,613,942 alleles (0.00062%); highest among the groups gnomAD compares: Middle Eastern, 0.033%; no homozygotes.

Submissions (3):

Genomic Medicine Center of Excellence, King Faisal Specialist Hospital and Research Centre
Classification: Uncertain significance for Nemaline myopathy 2. Last evaluated: 2024-04-04. Review status: criteria provided, single submitter. Criteria: ACMG Guidelines, 2015. Collection method: clinical testing. Allele origin: germline.

Labcorp Genetics (formerly Invitae), Labcorp
Classification: Uncertain significance for Nemaline myopathy 2. Last evaluated: 2022-06-28. Review status: criteria provided, single submitter. Criteria: Invitae Variant Classification Sherloc (09022015). Collection method: clinical testing. Allele origin: germline.
Comment: This sequence change replaces histidine, which is basic and polar, with arginine, which is basic and polar, at codon 1601 of the NEB protein (p.His1601Arg). This variant is present in population databases (rs779409232, gnomAD 0.0009%). This variant has not been reported in the literature in individuals affected with NEB-related conditions. Algorithms developed to predict the effect of missense changes on protein structure and function are either unavailable or do not agree on the potential impact of this missense change (SIFT: "Deleterious"; PolyPhen-2: "Not Available"; Align-GVGD: "Class C0"). In summary, the available evidence is currently insufficient to determine the role of this variant in disease. Therefore, it has been classified as a Variant of Uncertain Significance.

Clinical Genetics Laboratory, Skane University Hospital Lund
Classification: Uncertain significance. Last evaluated: 2022-05-27. Review status: criteria provided, single submitter. Criteria: ACMG Guidelines, 2015. Collection method: clinical testing. Allele origin: germline. Affected: yes.

NM_001164508.2(NEB):c.4802A>G (p.His1601Arg)

Gene: NEB (nebulin; minus strand). Cytogenetic location: 2q23.3.
Variant type: single nucleotide variant.
Coding change: c.4802A>G on transcript NM_001164508.2 (MANE Select); coding-DNA position 4802, A replaced by G.
Protein change: p.His1601Arg; replaces histidine 1601 with arginine.
Molecular consequence: missense variant.
Genome position (GRCh38, 1-based): chr2:151,666,319, T>C on the plus strand (A>G on the coding strand, the complement: NEB is on the minus strand). VCF-style: chr2-151666319-T-C. GRCh37 (hg19) VCF-style: chr2-152522833-T-C.
Other names: c.4802A>G, p.His1601Arg (NM_001164507.2, NM_001271208.2, NM_004543.5); c.4802A>G (NM_004543.4); short protein forms H1601R.
Identifiers: ClinVar variation 2424493 (VCV002424493.5), dbSNP rs779409232, ClinGen allele CA1910530.
Genomic context (GRCh38, chr2:151,666,319, plus strand): 5'-CTGGCTTCATAGCCCTTTTTGTACTCACGATCAGACTGGATTTTGGCCACATTCATGTAG[T>C]GAACCAGTTTAGGATCATCCTGAAGACTGAGAAATCCAACTTGCTTGCCTTTGGCTTTCT-3'
Protein context (NP_001157980.2, residues 1591-1611): LSLQDDPKLV[His1601Arg]YMNVAKIQSD